The following is an entry in ClinVar:

ClinVar aggregate classification (germline): Uncertain significance. Review status: criteria provided, multiple submitters, no conflicts (2 of 4 stars). 3 submissions from 3 submitters: Uncertain significance (3). Last evaluated 2024-08-01.

Conditions:
Immunodeficiency 14 (IMD14A). Also called: IMMUNODEFICIENCY 14A WITH LYMPHOPROLIFERATION, AUTOSOMAL DOMINANT; Activated PI3K Delta Syndrome Type 1 (APDS1); p110-DELTA-ACTIVATING MUTATION CAUSING SENESCENT T CELLS, LYMPHADENOPATHY, AND IMMUNODEFICIENCY; ACTIVATED PI3K-DELTA SYNDROME 1. Identifiers: Orphanet 397596, Orphanet 693661, MedGen C5907821, MONDO:0014222, OMIM 615513.
Inborn genetic diseases. Identifiers: MedGen C0950123, MeSH D030342.

Allele frequency attached by ClinVar (database versions not stated): TOPMed below 0.00001.

Submissions (3):

Labcorp Genetics (formerly Invitae), Labcorp
Classification: Uncertain significance for Activated PI3K-delta syndrome. Last evaluated: 2024-08-01. Review status: criteria provided, single submitter. Criteria: Invitae Variant Classification Sherloc (09022015). Collection method: clinical testing. Allele origin: germline.
Comment: This sequence change replaces valine, which is neutral and non-polar, with alanine, which is neutral and non-polar, at codon 576 of the PIK3CD protein (p.Val576Ala). This variant is not present in population databases (gnomAD no frequency). This variant has not been reported in the literature in individuals affected with PIK3CD-related conditions. ClinVar contains an entry for this variant (Variation ID: 2174650). Advanced modeling of protein sequence and biophysical properties (such as structural, functional, and spatial information, amino acid conservation, physicochemical variation, residue mobility, and thermodynamic stability) performed at Invitae indicates that this missense variant is not expected to disrupt PIK3CD protein function with a negative predictive value of 80%. In summary, the available evidence is currently insufficient to determine the role of this variant in disease. Therefore, it has been classified as a Variant of Uncertain Significance.

Ambry Genetics
Classification: Uncertain significance for Inborn genetic diseases. Last evaluated: 2024-02-06. Review status: criteria provided, single submitter. Criteria: Ambry Variant Classification Scheme 2023. Collection method: clinical testing. Allele origin: germline.

Breakthrough Genomics
Classification: Uncertain significance. Review status: criteria provided, single submitter. Criteria: ACMG Guidelines, 2015. Collection method: not provided. Allele origin: germline. Inheritance: Autosomal recessive inheritance. Affected: yes.

NM_005026.5(PIK3CD):c.1727T>C (p.Val576Ala)

Gene: PIK3CD (phosphatidylinositol-4,5-bisphosphate 3-kinase catalytic subunit delta; plus strand). Cytogenetic location: 1p36.22.
Variant type: single nucleotide variant.
Coding change: c.1727T>C on transcript NM_005026.5 (MANE Select); coding-DNA position 1727, T replaced by C.
Protein change: p.Val576Ala; replaces valine 576 with alanine.
Molecular consequence: missense variant.
Genome position (GRCh38, 1-based): chr1:9,721,164, T>C. VCF-style: chr1-9721164-T-C. GRCh37 (hg19) VCF-style: chr1-9781222-T-C.
Other names: c.1724T>C, p.Val575Ala (NM_001350234.2); c.1640T>C, p.Val547Ala (NM_001350235.1); short protein forms V575A, V576A, V547A.
Identifiers: ClinVar variation 2174650 (VCV002174650.6), dbSNP rs1175850851, ClinGen allele CA338304175.